The following is an entry in ClinVar:

NM_004795.4(KL):c.254A>G (p.Lys85Arg)

Gene: KL (klotho; plus strand). Cytogenetic location: 13q13.1.
Variant type: single nucleotide variant.
Coding change: c.254A>G on transcript NM_004795.4 (MANE Select); coding-DNA position 254, A replaced by G.
Protein change: p.Lys85Arg; replaces lysine 85 with arginine.
Molecular consequence: missense variant.
Genome position (GRCh38, 1-based): chr13:33,016,694, A>G. VCF-style: chr13-33016694-A-G. GRCh37 (hg19) VCF-style: chr13-33590832-A-G.
Other names: short protein forms K85R.
Identifiers: ClinVar variation 1345701 (VCV001345701.7), dbSNP rs1190809246, ClinGen allele CA387780550.
Genomic context (GRCh38, chr13:33,016,694, plus strand): 5'-TCCTCTGGGCCGTGGGCAGCGCCGCCTACCAGACCGAGGGCGGCTGGCAGCAGCACGGCA[A>G]GGGTGCGTCCATCTGGGATACGTTCACCCACCACCCCCTGGCACCCCCGGGAGACTCCCG-3'
Protein context (NP_004786.2, residues 75-95): QTEGGWQQHG[Lys85Arg]GASIWDTFTH

ClinVar aggregate classification (germline): Uncertain significance. Review status: criteria provided, multiple submitters, no conflicts (2 of 4 stars). 2 submissions from 2 submitters: Uncertain significance (2). Last evaluated 2024-02-10.

Conditions:
Tumoral calcinosis, hyperphosphatemic, familial, 3. Identifiers: MedGen C4693864, MONDO:0060715, OMIM 617994.

Allele frequency attached by ClinVar (database versions not stated): gnomAD exomes below 0.00001; gnomAD 0.00001.
gnomAD v4.1: 9 of 1,607,490 alleles (0.00056%); highest among the groups gnomAD compares: African/African-American, 0.004%; no homozygotes.

Submissions (2):

Labcorp Genetics (formerly Invitae), Labcorp
Classification: Uncertain significance. Last evaluated: 2024-02-10. Review status: criteria provided, single submitter. Criteria: Invitae Variant Classification Sherloc (09022015). Collection method: clinical testing. Allele origin: germline.
Comment: This sequence change replaces lysine, which is basic and polar, with arginine, which is basic and polar, at codon 85 of the KL protein (p.Lys85Arg). This variant is not present in population databases (gnomAD no frequency). This variant has not been reported in the literature in individuals affected with KL-related conditions. ClinVar contains an entry for this variant (Variation ID: 1345701). Advanced modeling of protein sequence and biophysical properties (such as structural, functional, and spatial information, amino acid conservation, physicochemical variation, residue mobility, and thermodynamic stability) performed at Invitae indicates that this missense variant is not expected to disrupt KL protein function with a negative predictive value of 80%. In summary, the available evidence is currently insufficient to determine the role of this variant in disease. Therefore, it has been classified as a Variant of Uncertain Significance.

Fulgent Genetics
Classification: Uncertain significance for Tumoral calcinosis, hyperphosphatemic, familial, 3. Last evaluated: 2022-01-02. Review status: criteria provided, single submitter. Criteria: ACMG Guidelines, 2015. Collection method: clinical testing. Allele origin: unknown.